The following is an entry in ClinVar:

ClinVar aggregate classification (germline): Uncertain significance (1 of 4 stars; one submission).

Submission:

GeneDx
Classification: Uncertain significance. Last evaluated: 2022-09-30. Review status: criteria provided, single submitter. Criteria: GeneDx Variant Classification Process June 2021. Collection method: clinical testing. Allele origin: germline. Affected: yes.
Comment: Not observed at significant frequency in large population cohorts (gnomAD); In silico analysis supports that this missense variant has a deleterious effect on protein structure/function; Has not been previously published as pathogenic or benign to our knowledge

NM_004525.3(LRP2):c.6169T>C (p.Ser2057Pro)

Gene: LRP2 (LDL receptor related protein 2; minus strand). Cytogenetic location: 2q31.1.
Variant type: single nucleotide variant.
Coding change: c.6169T>C on transcript NM_004525.3 (MANE Select); coding-DNA position 6169, T replaced by C.
Protein change: p.Ser2057Pro; replaces serine 2057 with proline.
Molecular consequence: missense variant.
Genome position (GRCh38, 1-based): chr2:169,212,079, A>G on the plus strand (T>C on the coding strand, the complement: LRP2 is on the minus strand). VCF-style: chr2-169212079-A-G. GRCh37 (hg19) VCF-style: chr2-170068589-A-G.
Other names: short protein forms S2057P.
Identifiers: ClinVar variation 1191450 (VCV001191450.4), dbSNP rs2105340991, ClinGen allele CA349131675.